The following is an entry in ClinVar:

NM_004304.5(ALK):c.1648-3C>T

Gene: ALK (ALK receptor tyrosine kinase; minus strand). Cytogenetic location: 2p23.2.
Variant type: single nucleotide variant.
Coding change: c.1648-3C>T on transcript NM_004304.5 (MANE Select); 3 bases into the intron before coding-DNA position 1648, C replaced by T.
Molecular consequence: intron variant.
Genome position (GRCh38, 1-based): chr2:29,297,060, G>A on the plus strand (C>T on the coding strand, the complement: ALK is on the minus strand). VCF-style: chr2-29297060-G-A. GRCh37 (hg19) VCF-style: chr2-29519926-G-A.
Identifiers: ClinVar variation 4695392 (VCV004695392.1).

ClinVar aggregate classification (germline): Uncertain significance (1 of 4 stars; one submission).

Conditions:
Neuroblastoma, susceptibility to, 3. Also called: ALK-Related Neuroblastic Tumor Susceptibility. Identifiers: Orphanet 635, MedGen C2751681, MONDO:0013083, OMIM 613014.

gnomAD v4.1: 2 of 1,614,190 alleles (0.00012%); highest among the groups gnomAD compares: South Asian, 0.0022%; no homozygotes.

Submission:

Labcorp Genetics (formerly Invitae), Labcorp
Classification: Uncertain significance for Neuroblastoma, susceptibility to, 3. Last evaluated: 2025-08-03. Review status: criteria provided, single submitter. Criteria: Invitae Variant Classification Sherloc (09022015). Collection method: clinical testing. Allele origin: germline.
Comment: This sequence change falls in intron 8 of the ALK gene. It does not directly change the encoded amino acid sequence of the ALK protein. It affects a nucleotide within the consensus splice site. This variant is not present in population databases (gnomAD no frequency). This variant has not been reported in the literature in individuals affected with ALK-related conditions. Variants that disrupt the consensus splice site are a relatively common cause of aberrant splicing (PMID: 17576681, 9536098). Algorithms developed to predict the effect of sequence changes on RNA splicing suggest that this variant is not likely to affect RNA splicing. In summary, the available evidence is currently insufficient to determine the role of this variant in disease. Therefore, it has been classified as a Variant of Uncertain Significance.

Literature cited by the submitters: PubMed 17576681; PubMed 9536098.